The following is an entry in ClinVar:

NM_006766.5(KAT6A):c.908-4A>G

Gene: KAT6A (lysine acetyltransferase 6A; minus strand). Cytogenetic location: 8p11.21.
Variant type: single nucleotide variant.
Coding change: c.908-4A>G on transcript NM_006766.5 (MANE Select); 4 bases into the intron before coding-DNA position 908, A replaced by G.
Molecular consequence: intron variant.
Genome position (GRCh38, 1-based): chr8:41,978,781, T>C on the plus strand (A>G on the coding strand, the complement: KAT6A is on the minus strand). VCF-style: chr8-41978781-T-C. GRCh37 (hg19) VCF-style: chr8-41836299-T-C.
Other names: c.908-4A>G (NM_001305878.2).
Identifiers: ClinVar variation 4881402 (VCV004881402.2).

ClinVar aggregate classification (germline): Uncertain significance (1 of 4 stars; one submission).

Submission:

Dasa
Classification: Uncertain significance. Last evaluated: 2026-01-17. Review status: criteria provided, single submitter. Criteria: DASA Assertion Criteria. Collection method: clinical testing. Allele origin: germline.
Comment: NM_006766.5(KAT6A):c.908-4A>G is a splice-region variant. This variant is rare in population databases. Computational prediction algorithms are consistent with a benign effect. The currently available literature and clinical evidence are not sufficient to establish a definitive association between this variant and the reported condition. Therefore, this variant is classified as a variant of uncertain significance.